The following continues an entry in ClinVar:

NM_007194.4(CHEK2):c.1100del (p.Thr367fs)

Gene: CHEK2. ClinVar aggregate classification (germline): Pathogenic. Pathogenic (76).

Submissions 55 to 69 of 99:

Sema4
Classification: Pathogenic for Hereditary cancer-predisposing syndrome. Last evaluated: 2021-10-04. Review status: criteria provided, single submitter. Criteria: Sema4 Curation Guidelines. Collection method: curation. Allele origin: germline.
Comment: The CHEK2 c.1100delC (p.T367MfsX15) variant is a well-known pathogenic variant associated with increased risk for breast, colorectal and prostate cancer. This variant was observed in 219/25124 chromosomes in the Finnish population, with 1 homozygote, in the large and broad cohorts of the Genome Aggregation Database (PMID: 32461654). This variant has been reported in ClinVar (Variant ID 128042). Meta-analysis including 118,735 breast cancer cases and 195,807 controls indicated an increased breast cancer risk in overall populations (OR 2.89; 95% CI 2.63-3.16) (PMID: 29909568). Similar meta-analysis studies have shown a modest increase in colorectal (OR 1.88, 95% CI 1.29-2.73) and prostate (OR 1.98, 95% CI 1.23-3.18) cancer risk (PMID: 25431674, 23946381). This variant has also been found associated with an increased risk for other cancer types including thyroid and melanoma (PMID: 25583358, 21956126). This variant causes a frameshift at amino acid 367 that results in premature termination 15 amino acids downstream. At this location, this is predicted to result in absent protein (loss of function). Loss-of-function variants in CHEK2 are known to be pathogenic. Functional studies have shown that this variant displayed no kinase activity in vitro (PMID: 11719428). Based on the current evidence available, this variant is interpreted as pathogenic with reduced penetrance.

CHEO Genetics Diagnostic Laboratory, Children's Hospital of Eastern Ontario
Classification: Pathogenic for Breast and/or ovarian cancer. Last evaluated: 2021-05-07. Review status: criteria provided, single submitter. Criteria: ACMG Guidelines, 2015. Collection method: clinical testing. Allele origin: germline.

Revvity Omics, Revvity
Classification: Pathogenic. Last evaluated: 2020-10-27. Review status: criteria provided, single submitter. Criteria: ACMG Guidelines, 2015. Collection method: clinical testing. Allele origin: germline.

Institute of Medical Genetics and Applied Genomics, University Hospital Tübingen
Classification: Pathogenic. Last evaluated: 2020-10-23. Review status: criteria provided, single submitter. Criteria: ACMG Guidelines, 2015. Collection method: clinical testing. Allele origin: germline. Inheritance: Unknown mechanism. Affected: yes.

Department of Molecular Diagnostics, Institute of Oncology Ljubljana
Classification: Pathogenic for Familial cancer of breast. Last evaluated: 2020-04-02. Review status: criteria provided, single submitter. Criteria: ACMG Guidelines, 2015. Collection method: clinical testing. Allele origin: germline. Affected: yes.

GeneDx
Classification: Pathogenic. Last evaluated: 2020-03-04. Review status: criteria provided, single submitter. Criteria: GeneDx Variant Classification Process June 2021. Collection method: clinical testing. Allele origin: germline. Affected: yes.
Comment: Frameshift variant predicted to result in protein truncation or nonsense mediated decay in a gene for which loss-of-function is a known mechanism of disease; Published functional studies demonstrate a damaging effect: loss of kinase activity (Lee 2001, Wu 2001); Case control studies suggest this variant is associated with several types of cancer, including breast, colon, prostate, gastric, renal, and thyroid (Seppala 2003, The CHEK2 Breast Cancer Consortium 2004, Cybulski 2006, Desrichard 2011, Teodorczyk 2013, Hale 2014, Ma 2014, Siolek 2015, Naslund-Koch 2016, Schmidt 2016, Couch 2017, Decker 2017, Katona 2017, Carlo 2018); This variant is associated with the following publications: (PMID: 11967536, 14648718, 18759107, 27269948, 14612911, 15122511, 17085682, 22114986, 23296741, 25431674, 23946381, 25583358, 26884562, 28418444, 28779002, 28734145, 29978187, 11719428, 11053450, 31948886, 32832836, 31980526, 32854451, 31263571, 32081490, 31447099, 32255556, 15818573, 32285038, 30777372, 31871297, 30957677, 31206626, 28514723, 31263054, 30877237, 31360903, 30612635, 30303537, 30676620, 30113427, 31159747, 30833417, 31090900, 30309722, 30322717, 29767408, 30623166, 29520813, 29445900, 30947698, 30426508, 29506128, 15095295, 30333958, 28135145, 29909963, 28727877, 25186627, 26556299, 28503720, 28802053, 27806230, 27798748, 28195393, 29489754, 28125075, 19768534, 29351919, 28944238, 29146883, 26332814, 29909568, 28874143, 25980754, 26681312, 22527104, 27083775, 26822237, 27153395, 26084796, 26641009, 27716369, 27488870, 21956126, 27751358, 28008555, 27433846, 27443514, 17661168, 16452051, 15087378, 21807500, 12690581, 14648719, 10617473, 15239132, 22006311, 23409019, 22058428, 23109706, 21876083, 22058216, 20722467, 23415889, 22811390, 19030985, 22520019, 21244692, 22691310, 22994785, 15492928, 23329222, 25835597, 24723567)

GeneKor MSA
Classification: Pathogenic for Hereditary cancer-predisposing syndrome. Last evaluated: 2020-01-01. Review status: criteria provided, single submitter. Criteria: ACMG Guidelines, 2015. Collection method: clinical testing. Allele origin: germline. Affected: yes.
Comment: This variation is a deletion of 1 nucleotide from exon 11 of the CHEK2 mRNA (c.1100delC), causing a frameshift at codon 367. This creates a premature translational stop signal 15 amino acid residues later (p.Thr367Metfs*15) and is expected to result in an absent or disrupted protein product. Loss-of-function variants in CHEK2 are known to be pathogenic. This variant has been well described in the literature (PMID: 18172190). The mutation database ClinVar contains an entry for this variant (Variation ID: 128042).

Genetics and Molecular Pathology, SA Pathology
Classification: Pathogenic for Familial cancer of breast. Last evaluated: 2019-12-13. Review status: criteria provided, single submitter. Criteria: ACMG Guidelines, 2015. Collection method: clinical testing. Allele origin: germline. Inheritance: Autosomal dominant inheritance. Affected: no.

Women's Health and Genetics/Laboratory Corporation of America, LabCorp
Classification: Pathogenic for Li-Fraumeni syndrome. Last evaluated: 2019-07-25. Review status: criteria provided, single submitter. Criteria: LabCorp Variant Classification Summary - May 2015. Collection method: clinical testing. Allele origin: germline.
Comment: Variant summary: CHEK2 c.1100delC (p.Thr367MetfsX15) results in a premature termination codon, predicted to cause a truncation of the encoded protein or absence of the protein due to nonsense mediated decay, which are commonly known mechanisms for disease. Truncations downstream of this position have been classified as pathogenic by our laboratory. The variant allele was found at a frequency of 0.002 in 248982 control chromosomes (gnomAD). Although this variant was found at a relatively high frequency in controls, this is a well-known founder mutation that is known to be relatively frequent in European populations. c.1100delC has been reported in the literature in multiple individuals affected with Li-Fraumeni Syndrome and also as risk factor for several cancer types (breast, ovarian, prostate, colon, etc.). These data indicate that the variant is very likely to be associated with disease. Publications also reported experimental evidence evaluating an impact on protein function, and demonstrated that this variant leads to loss of damage response and kinase activity (Lee_2001, Roeb_2012). Eighteen other submitters have provided clinical-significance assessments for this variant in ClinVar after 2014, and all of them classified the variant as pathogenic. Based on the evidence outlined above, the variant was classified as pathogenic.

Knight Diagnostic Laboratories, Oregon Health and Sciences University
Classification: Pathogenic for Hereditary cancer-predisposing syndrome. Last evaluated: 2019-06-14. Review status: criteria provided, single submitter. Criteria: ACMG Guidelines, 2015. Collection method: clinical testing. Allele origin: germline. Observed: 7 variant alleles.

Clinical Genetics and Genomics, Karolinska University Hospital
Classification: Pathogenic. Last evaluated: 2019-06-04. Review status: criteria provided, single submitter. Criteria: ACMG Guidelines, 2015. Collection method: clinical testing. Allele origin: germline. Affected: yes. Observed: 19 variant alleles.

Center for Personalized Medicine, Children's Hospital Los Angeles
Classification: Pathogenic. Last evaluated: 2018-11-19. Review status: criteria provided, single submitter. Criteria: ACMG Guidelines, 2015. Collection method: clinical testing. Allele origin: germline. Affected: yes.

Mendelics
Classification: Pathogenic for Familial cancer of breast. Last evaluated: 2018-07-02. Review status: criteria provided, single submitter. Criteria: Mendelics Assertion Criteria 2017. Collection method: clinical testing. Allele origin: unknown.

Academic Department of Medical Genetics, University of Cambridge
Classification: Pathogenic for Hereditary cancer-predisposing syndrome. Last evaluated: 2018-01-26. Review status: criteria provided, single submitter. Criteria: ACMG Guidelines, 2015. Collection method: research. Allele origin: germline. Affected: yes. Observed: 9 heterozygotes, 1 homozygote. Clinical features observed: Fibrofolliculoma (HP:0030436), Clear cell carcinoma of kidney (HP:0006770), Adenocarcinoma of the large intestine (HP:0040275), Endometrial carcinoma (HP:0012114), Basal cell carcinoma (HP:0002671), Thyroid carcinoma (HP:0002890), Neoplasm of the pancreas (HP:0002894), Lymphoma (HP:0002665), Breast carcinoma (HP:0003002), Stomach cancer (HP:0012126), Renal cell carcinoma, papillary, 1 (HP:0005584), Neuroendocrine neoplasm (HP:0100634), and 2 more.
Comment: Application of AMCG guidelines 2015. Used other ClinVar submission evidence where relevant. Loss of heterozygosity in tumours or immunohistochemistry abnormalities considered functional evidence of pathogenicity.

Identified as part of research study of individuals with multiple primary tumours referred for genetic assessment

Fulgent Genetics
Classification: Pathogenic for Familial cancer of breast; Familial prostate cancer; Bone osteosarcoma; CHEK2-related cancer predisposition. Last evaluated: 2017-05-18. Review status: criteria provided, single submitter. Criteria: ACMG Guidelines, 2015. Collection method: clinical testing. Allele origin: unknown.